The following is an entry in ClinVar:

ClinVar aggregate classification (germline): Benign/Likely benign. Review status: criteria provided, multiple submitters, no conflicts (2 of 4 stars). 5 submissions from 5 submitters: Benign (4); Likely benign (1). Last evaluated 2024-11-27.

Conditions:
Thrombocytopenia. Identifiers: MedGen C0040034, MeSH D013921, MONDO:0002049, HP:0001873.

Allele frequency attached by ClinVar (database versions not stated): TOPMed 0.00976; 1000 Genomes Project 0.00998; 1000 Genomes Project 30x 0.01093; gnomAD 0.01126 and 0.01139; ESP Exome Variant Server 0.01253; ExAC 0.01615.

Submissions (5):

Blueprint Genetics
Classification: Likely benign. Last evaluated: 2024-11-27. Review status: criteria provided, single submitter. Criteria: ACMG Guidelines, 2015. Collection method: clinical testing. Allele origin: germline.

Mayo Clinic Laboratories, Mayo Clinic
Classification: Benign. Last evaluated: 2023-10-20. Review status: criteria provided, single submitter. Criteria: ACMG Guidelines, 2015. Collection method: clinical testing. Allele origin: germline. Observed: 16 variant alleles.
Comment: BS1, BS2, BP4, BP7

Illumina Laboratory Services, Illumina
Classification: Benign for Thrombocytopenia. Last evaluated: 2018-01-12. Review status: criteria provided, single submitter. Criteria: ICSL Variant Classification Criteria 13 December 2019. Collection method: clinical testing. Allele origin: germline.
Comment: This variant was observed in the ICSL laboratory as part of a predisposition screen in an ostensibly healthy population. It had not been previously curated by ICSL or reported in the Human Gene Mutation Database (HGMD: prior to June 1st, 2018), and was therefore a candidate for classification through an automated scoring system. Utilizing variant allele frequency, disease prevalence and penetrance estimates, and inheritance mode, an automated score was calculated to assess if this variant is too frequent to cause the disease. Based on the score and internal cut-off values, a variant classified as benign is not then subjected to further curation. The score for this variant resulted in a classification of benign for this disease.

Breakthrough Genomics
Classification: Benign. Review status: criteria provided, single submitter. Criteria: ACMG Guidelines, 2015. Collection method: not provided. Allele origin: germline. Inheritance: Unknown mechanism. Affected: yes.

PreventionGenetics, part of Exact Sciences
Classification: Benign. Review status: criteria provided, single submitter. Criteria: ACMG Guidelines, 2015. Collection method: clinical testing. Allele origin: germline.

NM_001172303.3(MASTL):c.2139G>A (p.Gln713=)

Gene: MASTL (microtubule associated serine/threonine kinase like; plus strand). Cytogenetic location: 10p12.1.
Variant type: single nucleotide variant.
Coding change: c.2139G>A on transcript NM_001172303.3 (MANE Select); coding-DNA position 2139, G replaced by A.
Protein change: p.Gln713=; no amino-acid change (glutamine 713 retained).
Molecular consequence: synonymous variant.
Genome position (GRCh38, 1-based): chr10:27,173,132, G>A. VCF-style: chr10-27173132-G-A. GRCh37 (hg19) VCF-style: chr10-27462061-G-A.
Other names: p.Gln712=; c.2136G>A, p.Gln712= (NM_001172304.3, NM_001320756.2, NM_032844.5); c.2139G>A, p.Gln713= (NM_001320757.2); c.1656G>A, p.Gln552= (NM_001372029.1, NM_001372030.1).
Identifiers: ClinVar variation 262119 (VCV000262119.9), dbSNP rs41282228, ClinGen allele CA5450363.
Genomic context (GRCh38, chr10:27,173,132, plus strand): 5'-AAAGGAATTAAGATATTTGTTATCTCTTAAACCCTTTTTGAATTAGCAGACCCCAAATCA[G>A]ATCAAGTCGGGAACTCCATACCGAACTCCGAAGAGTGTGAGAAGAGGGGTGGCCCCCGTT-3'
Protein context (NP_001165774.1, residues 703-723): SCMPHQQTPN[Gln713=]IKSGTPYRTP